The following is an entry in ClinVar:

ClinVar aggregate classification (germline): Benign/Likely benign. Review status: criteria provided, multiple submitters, no conflicts (2 of 4 stars). 3 submissions from 3 submitters: Benign (1); Likely benign (1). 1 of the submissions does not count toward it. Last evaluated 2025-10-01.

Conditions:
SLC34A2-related disorder. Also called: SLC34A2-related condition.

Allele frequency attached by ClinVar (database versions not stated): gnomAD 0.00008; TOPMed 0.00028; 1000 Genomes Project 30x 0.00031; 1000 Genomes Project 0.00040.
gnomAD v4.1: 196 of 1,614,166 alleles (0.012%); highest among the groups gnomAD compares: Admixed American, 0.28%; no homozygotes.

Submissions (3):

Labcorp Genetics (formerly Invitae), Labcorp
Classification: Benign. Last evaluated: 2025-10-01. Review status: criteria provided, single submitter. Criteria: Invitae Variant Classification Sherloc (09022015). Collection method: clinical testing. Allele origin: germline.

Blueprint Genetics
Classification: Likely benign. Last evaluated: 2024-01-04. Review status: criteria provided, single submitter. Criteria: ACMG Guidelines, 2015. Collection method: clinical testing. Allele origin: germline.

PreventionGenetics, part of Exact Sciences
Classification: Likely benign for SLC34A2-related condition. Last evaluated: 2023-12-11. Review status: no assertion criteria provided. Collection method: clinical testing. Allele origin: germline. Not counted in ClinVar's aggregate classification.
Comment: This variant is classified as likely benign based on ACMG/AMP sequence variant interpretation guidelines (Richards et al. 2015 PMID: 25741868, with internal and published modifications).

NM_006424.3(SLC34A2):c.1374G>A (p.Thr458=)

Gene: SLC34A2 (solute carrier family 34 member 2; plus strand). Cytogenetic location: 4p15.2.
Variant type: single nucleotide variant.
Coding change: c.1374G>A on transcript NM_006424.3 (MANE Select); coding-DNA position 1374, G replaced by A.
Protein change: p.Thr458=; no amino-acid change (threonine 458 retained).
Molecular consequence: synonymous variant.
Genome position (GRCh38, 1-based): chr4:25,674,545, G>A. VCF-style: chr4-25674545-G-A. GRCh37 (hg19) VCF-style: chr4-25676167-G-A.
Other names: c.1371G>A, p.Thr457= (NM_001177998.2, NM_001177999.2); c.1374G>A (NM_006424.2).
Identifiers: ClinVar variation 2039524 (VCV002039524.7), dbSNP rs202236441, ClinGen allele CA2879813.